The following is an entry in ClinVar:

NM_015072.5(TTLL5):c.1586_1589del (p.Glu529fs)

Gene: TTLL5 (tubulin tyrosine ligase like 5; plus strand). Cytogenetic location: 14q24.3.
Variant type: Microsatellite.
Coding change: c.1586_1589del on transcript NM_015072.5 (MANE Select); coding-DNA positions 1586 to 1589, 4 bases deleted (AGAG; older notation c.1586_1589delAGAG).
Protein change: p.Glu529fs; shifts the reading frame from glutamic acid 529.
Molecular consequence: frameshift variant.
Genome position (GRCh38, 1-based): chr14:75,764,650-75,764,653, AGAG deleted; deleting any 4 consecutive bases within chr14:75,764,648-75,764,653 gives the same sequence; the c. name uses the placement nearest the transcript's 3' end. VCF-style (leftmost placement, unchanged base first): chr14-75764647-TAGAG-T. GRCh37 (hg19) VCF-style: chr14-76230990-TAGAG-T.
Other names: NC_000014.8:g.76230993_76230996del; NP_055887.3:p.(Glu529ValfsTer2); c.1586_1589delAGAG (NM_015072.4); short protein forms E529fs.
Identifiers: ClinVar variation 139513 (VCV000139513.5), dbSNP rs587777469, ClinGen allele CA210609.
Genomic context (GRCh38, chr14:75,764,647, plus strand): 5'-CATAGCTACCATGTTGCTTTTCCCCTAGAATGACTGCTGATGGAGCGCCAGAATTGAAGA[TAGAG>T]AGTCTGAATTCAAAGGCCAAGCTGCATGCTGCACTTTACGAGAGGAAGCTCCTGTCTCTG-3'

ClinVar aggregate classification (germline): Pathogenic. Review status: criteria provided, single submitter (1 of 4 stars). 2 submissions from 2 submitters: Pathogenic (1). 1 of the submissions does not count toward it. Last evaluated 2023-07-24.

Conditions:
Cone-rod dystrophy 19 (CORD19). Identifiers: Orphanet 1872, MedGen C4014501, MONDO:0014372, OMIM 615860.
Cone-rod dystrophy. Also called: Cone-rod degeneration; Cone/cone-rod dystrophy. Identifiers: Orphanet 1872, MedGen C4085590, MONDO:0015993, HP:0000548.

Submissions (2):

Ophthalmic Genetics Group, Institute of Molecular and Clinical Ophthalmology Basel
Classification: Pathogenic for Cone-rod dystrophy. Last evaluated: 2023-07-24. Review status: criteria provided, single submitter. Criteria: ACMG Guidelines, 2015. Collection method: research. Allele origin: germline. Affected: yes. Observed: 1 variant allele.
Comment: Clinical significance based on ACMG v2.0

This variant was classified as Pathogenic based on ACMG criteria: PVS1, PM2, PP5.

OMIM
Classification: Pathogenic for CONE-ROD DYSTROPHY 19. Last evaluated: 2014-05-01. Review status: no assertion criteria provided. Collection method: literature only. Allele origin: germline. Not counted in ClinVar's aggregate classification.

Literature cited by the submitters: PubMed 36909829 (cited by Ophthalmic Genetics Group, Institute of Molecular and Clinical Ophthalmology Basel); PubMed 24791901 (cited by OMIM).